The following is an entry in ClinVar:

NM_206933.4(USH2A):c.12154del (p.Ile4052fs)

Gene: USH2A (usherin; minus strand). Cytogenetic location: 1q41.
Variant type: Deletion.
Coding change: c.12154del on transcript NM_206933.4 (MANE Select); coding-DNA position 12154, one base deleted (A; older notation c.12154delA).
Protein change: p.Ile4052fs; shifts the reading frame from isoleucine 4052.
Molecular consequence: frameshift variant.
Genome position (GRCh38, 1-based): chr1:215,680,289, T deleted on the plus strand (A on the coding strand, the reverse complement: USH2A is on the minus strand); the first of 3 consecutive T bases (chr1:215,680,289-215,680,291); deleting any one gives the same sequence. VCF-style (leftmost placement, unchanged base first): chr1-215680288-AT-A. GRCh37 (hg19) VCF-style: chr1-215853630-AT-A.
Other names: short protein forms I4052fs.
Identifiers: ClinVar variation 2133340 (VCV002133340.4), dbSNP rs2464915018, ClinGen allele CA2580062358.
Genomic context (GRCh38, chr1:215,680,288, plus strand): 5'-AAGTTTCTCAGTCCACTTGGGGAAGATTCTAAGGTTTGAATCAGAGTCCAAGGGCTTAAA[AT>A]TTCTCCTGCATGGTTTGCAGCCACAACACCAATGCGATATGTTGTGAATGGTTCTAACCC-3'

ClinVar aggregate classification (germline): Pathogenic (1 of 4 stars; one submission).

Submission:

Labcorp Genetics (formerly Invitae), Labcorp
Classification: Pathogenic. Last evaluated: 2022-05-04. Review status: criteria provided, single submitter. Criteria: Invitae Variant Classification Sherloc (09022015). Collection method: clinical testing. Allele origin: germline.
Comment: For these reasons, this variant has been classified as Pathogenic. This variant has not been reported in the literature in individuals affected with USH2A-related conditions. This variant is not present in population databases (gnomAD no frequency). This sequence change creates a premature translational stop signal (p.Ile4052Phefs*2) in the USH2A gene. It is expected to result in an absent or disrupted protein product. Loss-of-function variants in USH2A are known to be pathogenic (PMID: 10729113, 10909849, 20507924, 25649381).

Literature cited by the submitters: PubMed 10729113; PubMed 10909849; PubMed 20507924; PubMed 25649381.